The following is an entry in ClinVar:

ClinVar aggregate classification (germline): Uncertain significance (1 of 4 stars; one submission).

Allele frequency attached by ClinVar (database versions not stated): gnomAD 0.00001; TOPMed 0.00002.

Submission:

Labcorp Genetics (formerly Invitae), Labcorp
Classification: Uncertain significance. Last evaluated: 2022-01-06. Review status: criteria provided, single submitter. Criteria: Invitae Variant Classification Sherloc (09022015). Collection method: clinical testing. Allele origin: germline.
Comment: This sequence change creates a premature translational stop signal (p.Thr35Metfs*128) in the CAPN5 gene. It is expected to result in an absent or disrupted protein product. However, the current clinical and genetic evidence is not sufficient to establish whether loss-of-function variants in CAPN5 cause disease. In summary, the available evidence is currently insufficient to determine the role of this variant in disease. Therefore, it has been classified as a Variant of Uncertain Significance. This variant has not been reported in the literature in individuals affected with CAPN5-related conditions. This variant is not present in population databases (gnomAD no frequency).

NM_004055.5(CAPN5):c.104del (p.Thr35fs)

Gene: CAPN5 (calpain 5; plus strand). Cytogenetic location: 11q13.5.
Variant type: Deletion.
Coding change: c.104del on transcript NM_004055.5 (MANE Select); coding-DNA position 104, one base deleted (C; older notation c.104delC).
Protein change: p.Thr35fs; shifts the reading frame from threonine 35.
Molecular consequence: frameshift variant.
Genome position (GRCh38, 1-based): chr11:77,084,990, C deleted. VCF-style (leftmost placement, unchanged base first): chr11-77084989-AC-A. GRCh37 (hg19) VCF-style: chr11-76796035-AC-A.
Other names: short protein forms T35fs.
Identifiers: ClinVar variation 1383780 (VCV001383780.6), dbSNP rs1402410502, ClinGen allele CA680378729.